The following is an entry in ClinVar:

ClinVar aggregate classification (germline): Uncertain significance (1 of 4 stars; one submission).

Conditions:
PLXNA4-related disorder. Also called: PLXNA4-related condition.

gnomAD v4.1: 1 of 1,614,090 alleles (0.000062%); highest among the groups gnomAD compares: Non-Finnish European, 0.000085%; no homozygotes.

Submission:

PreventionGenetics, part of Exact Sciences
Classification: Uncertain significance for PLXNA4-related condition. Last evaluated: 2025-01-29. Review status: criteria provided, single submitter. Criteria: ACMG Guidelines, 2015. Collection method: clinical testing. Allele origin: germline.
Comment: The PLXNA4 c.2942C>T variant is predicted to result in the amino acid substitution p.Ala981Val. To our knowledge, this variant has not been reported in the literature. This variant is reported in 0.00088% of alleles in individuals of European (Non-Finnish) descent in gnomAD. At this time, the clinical significance of this variant is uncertain due to the absence of conclusive functional and genetic evidence.

NM_020911.2(PLXNA4):c.2942C>T (p.Ala981Val)

Gene: PLXNA4 (plexin A4; minus strand). Cytogenetic location: 7q32.3.
Variant type: single nucleotide variant.
Coding change: c.2942C>T on transcript NM_020911.2 (MANE Select); coding-DNA position 2942, C replaced by T.
Protein change: p.Ala981Val; replaces alanine 981 with valine.
Molecular consequence: missense variant.
Genome position (GRCh38, 1-based): chr7:132,187,522, G>A on the plus strand (C>T on the coding strand, the complement: PLXNA4 is on the minus strand). VCF-style: chr7-132187522-G-A. GRCh37 (hg19) VCF-style: chr7-131872281-G-A.
Other names: c.2942C>T, p.Ala981Val (NM_001393897.1); short protein forms A981V.
Identifiers: ClinVar variation 5000115 (VCV005000115.1).